The following is an entry in ClinVar:

ClinVar aggregate classification (germline): Uncertain significance (1 of 4 stars; one submission).

Conditions:
Agammaglobulinemia 7, autosomal recessive (AGM7). Also called: AGAMMAGLOBULINEMIA, AUTOSOMAL RECESSIVE, DUE TO PIK3R1 DEFECT. Identifiers: MedGen C3554689, MONDO:0014083, OMIM 615214.
SHORT syndrome. Also called: LIPODYSTROPHY, PARTIAL, WITH RIEGER ANOMALY AND SHORT STATURE; PIK3R1-Related SHORT Syndrome; SHORT STATURE, HYPEREXTENSIBILITY, HERNIA, OCULAR DEPRESSION, RIEGER ANOMALY, AND TEETHING DELAY. Identifiers: Orphanet 3163, MedGen C0878684, MONDO:0010026, OMIM 269880.
Immunodeficiency 36 with lymphoproliferation. Also called: Immunodeficiency 36; Activated PI3K Delta Syndrome Type 2 (APDS2); ACTIVATED PI3K-DELTA SYNDROME 2. Identifiers: Orphanet 397596, Orphanet 693681, MedGen C4014934, MONDO:0014453, OMIM 616005.

Submission:

Labcorp Genetics (formerly Invitae), Labcorp
Classification: Uncertain significance for SHORT syndrome; Immunodeficiency 36 with lymphoproliferation; Agammaglobulinemia 7, autosomal recessive. Last evaluated: 2024-07-11. Review status: criteria provided, single submitter. Criteria: Invitae Variant Classification Sherloc (09022015). Collection method: clinical testing. Allele origin: germline.
Comment: This sequence change replaces threonine, which is neutral and polar, with isoleucine, which is neutral and non-polar, at codon 62 of the PIK3R1 protein (p.Thr62Ile). This variant is not present in population databases (gnomAD no frequency). This variant has not been reported in the literature in individuals affected with PIK3R1-related conditions. ClinVar contains an entry for this variant (Variation ID: 934762). An algorithm developed to predict the effect of missense changes on protein structure and function (PolyPhen-2) suggests that this variant is likely to be disruptive. In summary, the available evidence is currently insufficient to determine the role of this variant in disease. Therefore, it has been classified as a Variant of Uncertain Significance.

NM_181523.3(PIK3R1):c.185C>T (p.Thr62Ile)

Gene: PIK3R1 (phosphoinositide-3-kinase regulatory subunit 1; plus strand). Cytogenetic location: 5q13.1.
Variant type: single nucleotide variant.
Coding change: c.185C>T on transcript NM_181523.3 (MANE Select); coding-DNA position 185, C replaced by T.
Protein change: p.Thr62Ile; replaces threonine 62 with isoleucine.
Molecular consequence: missense variant.
Genome position (GRCh38, 1-based): chr5:68,226,860, C>T. VCF-style: chr5-68226860-C-T. GRCh37 (hg19) VCF-style: chr5-67522688-C-T.
Other names: short protein forms T62I.
Identifiers: ClinVar variation 934762 (VCV000934762.10), dbSNP rs1744294827, ClinGen allele CA359979765.